The following is an entry in ClinVar:

NM_003124.5(SPR):c.11_20dup (p.Val9fs)

Genes: SPR (sepiapterin reductase; plus strand), LOC129934069 (ATAC-STARR-seq lymphoblastoid silent region 11626; plus strand). Cytogenetic location: 2p13.2.
Variant type: Duplication.
Coding change: c.11_20dup on transcript NM_003124.5 (MANE Select); coding-DNA positions 11 to 20, 10 bases duplicated (GGCTGGGGCG; older notation c.11_20dupGGCTGGGGCG).
Protein change: p.Val9fs; shifts the reading frame from valine 9.
Molecular consequence: frameshift variant.
Genome position (GRCh38, 1-based): chr2:72,887,443-72,887,452, GGCTGGGGCG duplicated; duplicating any 10 consecutive bases within chr2:72,887,438-72,887,452 gives the same sequence; the c. name uses the placement nearest the transcript's 3' end. VCF-style (leftmost placement, unchanged base first): chr2-72887437-A-AGGGCGGGCTG. GRCh37 (hg19) VCF-style: chr2-73114566-A-AGGGCGGGCTG.
Other names: short protein forms V9fs.
Identifiers: ClinVar variation 2852342 (VCV002852342.3), dbSNP rs1331561092, ClinGen allele CA892790588.

ClinVar aggregate classification (germline): Pathogenic (1 of 4 stars; one submission).

Conditions:
Dystonic disorder. Also called: Dystonia. Identifiers: MedGen C0013421, MONDO:0003441, HP:0001332.

Submission:

Labcorp Genetics (formerly Invitae), Labcorp
Classification: Pathogenic for Dystonic disorder. Last evaluated: 2023-10-22. Review status: criteria provided, single submitter. Criteria: Invitae Variant Classification Sherloc (09022015). Collection method: clinical testing. Allele origin: germline.
Comment: This sequence change creates a premature translational stop signal (p.Val9Glyfs*35) in the SPR gene. It is expected to result in an absent or disrupted protein product. Loss-of-function variants in SPR are known to be pathogenic (PMID: 22522443). This variant is not present in population databases (gnomAD no frequency). This premature translational stop signal has been observed in individual(s) with SPR-related conditions (PMID: 22522443). For these reasons, this variant has been classified as Pathogenic.

Literature cited by the submitters: PubMed 22522443.